The following is an entry in ClinVar:

NM_000535.7(PMS2):c.2253_2254inv (p.Asp752Asn)

Gene: PMS2 (PMS1 homolog 2, mismatch repair system component; minus strand). Cytogenetic location: 7p22.1.
Variant type: Inversion.
Coding change: c.2253_2254inv on transcript NM_000535.7 (MANE Select).
Protein change: p.Asp752Asn; replaces aspartic acid 752 with asparagine.
Molecular consequence: missense variant. On other transcripts: non-coding transcript variant (1), intron variant (2).
Genome position: GRCh38 VCF-style: chr7-5978617-CA-TG. GRCh37 (hg19) VCF-style: chr7-6018248-CA-TG.
Other names: c.1848_1849invTG, p.Asp617Asn (NM_001018040.1); c.1848_1849inv, p.Asp617Asn (NM_001322003.2, NM_001322004.2, NM_001322005.2 and 14 more transcripts); c.2097_2098inv, p.Asp700Asn (NM_001322006.2, NM_001406870.1); c.1935_1936inv, p.Asp646Asn (NM_001322007.2, NM_001322008.2, NM_001406876.1 and 1 more transcripts); c.1692_1693inv, p.Asp565Asn (NM_001322010.2, NM_001406906.1, NM_001406907.1); c.1320_1321inv, p.Asp441Asn (NM_001322011.2, NM_001322012.2); c.1680_1681inv, p.Asp561Asn (NM_001322013.2, NM_001406908.1, NM_001406909.1); c.2253_2254inv, p.Asp752Asn (NM_001322014.2); and 18 more; short protein forms D441N, D561N, D617N, D644N, D700N, D814N, D351N, D495N.
Identifiers: ClinVar variation 2774121 (VCV002774121.2), ClinGen allele CA2697553822.
Genomic context (GRCh38, chr7:5,978,617, plus strand): 5'-CACCACACCCAGCCGCTATAGTTCTAATTAATAACTTACCATTTTCATCGATAACAAAAT[CA>TG]AAGCCATTCTTTCTAAATATTTCCAGATTTTCTATCAGAACAGCTTCATTAACAGCAGTT-3'
Protein context (NP_000526.2, residues 742-762): NLEIFRKNGF[Asp752Asn]FVIDENAPVT

ClinVar aggregate classification (germline): Uncertain significance (1 of 4 stars; one submission).

Conditions:
Hereditary cancer-predisposing syndrome. Also called: Hereditary neoplastic syndrome; Hereditary Cancer Syndrome; Neoplastic Syndromes, Hereditary; Tumor predisposition. Identifiers: Orphanet 140162, MedGen C0027672, MeSH D009386, MONDO:0015356.

Submission:

Color Diagnostics, LLC DBA Color Health
Classification: Uncertain significance for Hereditary cancer-predisposing syndrome. Last evaluated: 2025-03-19. Review status: criteria provided, single submitter. Criteria: ACMG Guidelines, 2015. Collection method: clinical testing. Allele origin: germline.
Comment: This missense variant replaces aspartic acid with asparagine at codon 752 of the PMS2 protein. To our knowledge, functional studies have not been reported for this variant. This variant has not been reported in individuals affected with PMS2-related disorders in the literature. This variant has not been identified in the general population by the Genome Aggregation Database (gnomAD). The available evidence is insufficient to determine the role of this variant in disease conclusively. Therefore, this variant is classified as a Variant of Uncertain Significance.